The following is an entry in ClinVar:

NM_006904.7(PRKDC):c.776A>G (p.Gln259Arg)

Gene: PRKDC (protein kinase, DNA-activated, catalytic subunit; minus strand). Cytogenetic location: 8q11.21.
Variant type: single nucleotide variant.
Coding change: c.776A>G on transcript NM_006904.7 (MANE Select); coding-DNA position 776, A replaced by G.
Protein change: p.Gln259Arg; replaces glutamine 259 with arginine.
Molecular consequence: missense variant.
Genome position (GRCh38, 1-based): chr8:47,943,975, T>C on the plus strand (A>G on the coding strand, the complement: PRKDC is on the minus strand). VCF-style: chr8-47943975-T-C. GRCh37 (hg19) VCF-style: chr8-48856535-T-C.
Other names: c.776A>G, p.Gln259Arg (NM_001081640.2); short protein forms Q259R.
Identifiers: ClinVar variation 1760527 (VCV001760527.2), dbSNP rs1384944646, ClinGen allele CA371136416.

ClinVar aggregate classification (germline): Uncertain significance (1 of 4 stars; one submission).

Allele frequency attached by ClinVar (database versions not stated): gnomAD exomes below 0.00001; TOPMed below 0.00001.
gnomAD v4.1: 4 of 1,562,686 alleles (0.00026%); highest among the groups gnomAD compares: Non-Finnish European, 0.00035%; no homozygotes.

Submission:

Ambry Genetics
Classification: Uncertain significance. Last evaluated: 2022-05-12. Review status: criteria provided, single submitter. Criteria: Ambry Variant Classification Scheme 2023. Collection method: clinical testing. Allele origin: germline.
Comment: The p.Q259R variant (also known as c.776A>G), located in coding exon 8 of the PRKDC gene, results from an A to G substitution at nucleotide position 776. The glutamine at codon 259 is replaced by arginine, an amino acid with highly similar properties. This amino acid position is conserved. In addition, this alteration is predicted to be tolerated by in silico analysis. Since supporting evidence is limited at this time, the clinical significance of this alteration remains unclear.